The following is an entry in ClinVar:

ClinVar aggregate classification (germline): Uncertain significance (1 of 4 stars; one submission).

gnomAD v4.1: 1 of 1,577,628 alleles (0.000063%); highest among the groups gnomAD compares: Non-Finnish European, 0.000086%; no homozygotes.

Submission:

Labcorp Genetics (formerly Invitae), Labcorp
Classification: Uncertain significance. Last evaluated: 2024-06-11. Review status: criteria provided, single submitter. Criteria: Invitae Variant Classification Sherloc (09022015). Collection method: clinical testing. Allele origin: germline.
Comment: This sequence change affects codon 625 of the MAGEL2 mRNA. It is a 'silent' change, meaning that it does not change the encoded amino acid sequence of the MAGEL2 protein. This variant is not present in population databases (gnomAD no frequency). This variant has not been reported in the literature in individuals affected with MAGEL2-related conditions. In summary, the available evidence is currently insufficient to determine the role of this variant in disease. Therefore, it has been classified as a Variant of Uncertain Significance.

NM_019066.5(MAGEL2):c.1875C>T (p.His625=)

Gene: MAGEL2 (MAGE family member L2; minus strand). Cytogenetic location: 15q11.2.
Variant type: single nucleotide variant.
Coding change: c.1875C>T on transcript NM_019066.5 (MANE Select); coding-DNA position 1875, C replaced by T.
Protein change: p.His625=; no amino-acid change (histidine 625 retained).
Molecular consequence: synonymous variant.
Genome position (GRCh38, 1-based): chr15:23,645,868, G>A on the plus strand (C>T on the coding strand, the complement: MAGEL2 is on the minus strand). VCF-style: chr15-23645868-G-A. GRCh37 (hg19) VCF-style: chr15-23891015-G-A.
Identifiers: ClinVar variation 3698292 (VCV003698292.2).